The following is an entry in ClinVar:

NM_000719.7(CACNA1C):c.2378A>G (p.Lys793Arg)

Gene: CACNA1C (calcium voltage-gated channel subunit alpha1 C; plus strand). Cytogenetic location: 12p13.33.
Variant type: single nucleotide variant.
Coding change: c.2378A>G on transcript NM_000719.7 (MANE Select); coding-DNA position 2378, A replaced by G.
Protein change: p.Lys793Arg; replaces lysine 793 with arginine.
Molecular consequence: missense variant.
Genome position (GRCh38, 1-based): chr12:2,585,414, A>G. VCF-style: chr12-2585414-A-G. GRCh37 (hg19) VCF-style: chr12-2694580-A-G.
Other names: c.2378A>G, p.Lys793Arg (NM_001129827.2, NM_001129829.2, NM_001129830.3 and 18 more transcripts); c.2369A>G, p.Lys790Arg (NM_001129844.2); short protein forms K793R, K790R.
Identifiers: ClinVar variation 4748342 (VCV004748342.1).

ClinVar aggregate classification (germline): Uncertain significance (1 of 4 stars; one submission).

Conditions:
Long QT syndrome (LQTS). Identifiers: MedGen C0023976, MeSH D008133, MONDO:0002442. Disease mechanism: loss of function. Inheritance: Various modes of inheritance.

gnomAD v4.1: 5 of 1,610,918 alleles (0.00031%); highest among the groups gnomAD compares: Admixed American, 0.0017%; no homozygotes.

Submission:

Labcorp Genetics (formerly Invitae), Labcorp
Classification: Uncertain significance for Long QT syndrome. Last evaluated: 2025-06-09. Review status: criteria provided, single submitter. Criteria: Invitae Variant Classification Sherloc (09022015). Collection method: clinical testing. Allele origin: germline.
Comment: This sequence change replaces lysine, which is basic and polar, with arginine, which is basic and polar, at codon 793 of the CACNA1C protein (p.Lys793Arg). This variant is not present in population databases (gnomAD no frequency). This variant has not been reported in the literature in individuals affected with CACNA1C-related conditions. Invitae Evidence Modeling of protein sequence and biophysical properties (such as structural, functional, and spatial information, amino acid conservation, physicochemical variation, residue mobility, and thermodynamic stability) indicates that this missense variant is not expected to disrupt CACNA1C protein function with a negative predictive value of 95%. In summary, the available evidence is currently insufficient to determine the role of this variant in disease. Therefore, it has been classified as a Variant of Uncertain Significance.